The following is an entry in ClinVar:

ClinVar aggregate classification (germline): Likely pathogenic (1 of 4 stars; one submission).

Conditions:
Hypohidrotic X-linked ectodermal dysplasia (XHED). Also called: ECTODERMAL DYSPLASIA, HYPOHIDROTIC, 1; CST SYNDROME; ECTODERMAL DYSPLASIA 1; Ectodermal Dysplasia 1, Anhidrotic; Anhidrotic ectodermal dysplasia X-linked; Christ Siemens Touraine syndrome. Identifiers: Orphanet 181, Orphanet 238468, MedGen C0162359, MONDO:0010585, OMIM 305100.

Submission:

Labcorp Genetics (formerly Invitae), Labcorp
Classification: Likely pathogenic for Hypohidrotic X-linked ectodermal dysplasia. Last evaluated: 2022-03-08. Review status: criteria provided, single submitter. Criteria: Invitae Variant Classification Sherloc (09022015). Collection method: clinical testing. Allele origin: germline.
Comment: In summary, the currently available evidence indicates that the variant is pathogenic, but additional data are needed to prove that conclusively. Therefore, this variant has been classified as Likely Pathogenic. Algorithms developed to predict the effect of sequence changes on RNA splicing suggest that this variant may disrupt the consensus splice site. Advanced modeling of protein sequence and biophysical properties (such as structural, functional, and spatial information, amino acid conservation, physicochemical variation, residue mobility, and thermodynamic stability) performed at Invitae indicates that this missense variant is expected to disrupt EDA protein function. This missense change has been observed in individual(s) with ectodermal dysplasia (Invitae). This variant is not present in population databases (gnomAD no frequency). This sequence change replaces glycine, which is neutral and non-polar, with arginine, which is basic and polar, at codon 269 of the EDA protein (p.Gly269Arg).

NM_001399.5(EDA):c.805G>A (p.Gly269Arg)

Gene: EDA (ectodysplasin A; plus strand). Cytogenetic location: Xq13.1.
Variant type: single nucleotide variant.
Coding change: c.805G>A on transcript NM_001399.5 (MANE Select); coding-DNA position 805, G replaced by A.
Protein change: p.Gly269Arg; replaces glycine 269 with arginine.
Molecular consequence: missense variant.
Genome position (GRCh38, 1-based): chrX:70,033,409, G>A. VCF-style: chrX-70033409-G-A. GRCh37 (hg19) VCF-style: chrX-69253259-G-A.
Other names: c.805G>A, p.Gly269Arg (NM_001005609.2); c.796G>A, p.Gly266Arg (NM_001005612.3); short protein forms G269R, G266R.
Identifiers: ClinVar variation 2098839 (VCV002098839.4), dbSNP rs2520343039, ClinGen allele CA413448778.